The following is an entry in ClinVar:

ClinVar aggregate classification (germline): Uncertain significance (1 of 4 stars; one submission).

Submission:

Labcorp Genetics (formerly Invitae), Labcorp
Classification: Uncertain significance. Last evaluated: 2022-09-10. Review status: criteria provided, single submitter. Criteria: Invitae Variant Classification Sherloc (09022015). Collection method: clinical testing. Allele origin: germline.
Comment: Variants that disrupt the consensus splice site are a relatively common cause of aberrant splicing (PMID: 17576681, 9536098). Algorithms developed to predict the effect of sequence changes on RNA splicing suggest that this variant may disrupt the consensus splice site. In summary, the available evidence is currently insufficient to determine the role of this variant in disease. Therefore, it has been classified as a Variant of Uncertain Significance. This variant has not been reported in the literature in individuals affected with ADIPOR1-related conditions. This variant is not present in population databases (gnomAD no frequency). This sequence change falls in intron 2 of the ADIPOR1 gene. It does not directly change the encoded amino acid sequence of the ADIPOR1 protein. It affects a nucleotide within the consensus splice site.

Literature cited by the submitters: PubMed 17576681; PubMed 9536098.

NM_015999.6(ADIPOR1):c.141+3A>T

Gene: ADIPOR1 (adiponectin receptor 1; minus strand). Cytogenetic location: 1q32.1.
Variant type: single nucleotide variant.
Coding change: c.141+3A>T on transcript NM_015999.6 (MANE Select); 3 bases into the intron after coding-DNA position 141, A replaced by T.
Molecular consequence: intron variant.
Genome position (GRCh38, 1-based): chr1:202,950,927, T>A on the plus strand (A>T on the coding strand, the complement: ADIPOR1 is on the minus strand). VCF-style: chr1-202950927-T-A. GRCh37 (hg19) VCF-style: chr1-202920055-T-A.
Other names: c.141+3A>T (NM_001290629.1, NM_001290557.1, NM_001290553.2).
Identifiers: ClinVar variation 2027356 (VCV002027356.4), dbSNP rs2527486567, ClinGen allele CA2580061915.